The following is an entry in ClinVar:

NM_001252024.2(TRPM1):c.2398A>G (p.Lys800Glu)

Gene: TRPM1 (transient receptor potential cation channel subfamily M member 1; minus strand). Cytogenetic location: 15q13.3.
Variant type: single nucleotide variant.
Coding change: c.2398A>G on transcript NM_001252024.2 (MANE Select); coding-DNA position 2398, A replaced by G.
Protein change: p.Lys800Glu; replaces lysine 800 with glutamic acid.
Molecular consequence: missense variant.
Genome position (GRCh38, 1-based): chr15:31,038,085, T>C on the plus strand (A>G on the coding strand, the complement: TRPM1 is on the minus strand). VCF-style: chr15-31038085-T-C. GRCh37 (hg19) VCF-style: chr15-31330288-T-C.
Other names: c.2449A>G, p.Lys817Glu (NM_001252020.2); c.2332A>G, p.Lys778Glu (NM_002420.6); short protein forms K778E, K800E, K817E.
Identifiers: ClinVar variation 2013993 (VCV002013993.4), dbSNP rs770303105, ClinGen allele CA7452225.
Genomic context (GRCh38, chr15:31,038,085, plus strand): 5'-GGTCAAGTGTGTCACTGACCGTATTTTCCTCTTCTTTTTCTTTGCCATCCTCATTTTCCT[T>C]GGATGTTTGATACGAGAAATCATCATATGTGCGAAATTCCAAAAACAAGATGGTGGGGGG-3'
Protein context (NP_001238953.1, residues 790-810): TYDDFSYQTS[Lys800Glu]ENEDGKEKEE

ClinVar aggregate classification (germline): Uncertain significance (1 of 4 stars; one submission).

Allele frequency attached by ClinVar (database versions not stated): ExAC 0.00001; gnomAD exomes 0.00001; TOPMed 0.00001.
gnomAD v4.1: 8 of 1,614,212 alleles (0.0005%); highest among the groups gnomAD compares: Admixed American, 0.0017%; no homozygotes.

Submission:

Labcorp Genetics (formerly Invitae), Labcorp
Classification: Uncertain significance. Last evaluated: 2024-10-16. Review status: criteria provided, single submitter. Criteria: Invitae Variant Classification Sherloc (09022015). Collection method: clinical testing. Allele origin: germline.
Comment: This sequence change replaces lysine, which is basic and polar, with glutamic acid, which is acidic and polar, at codon 778 of the TRPM1 protein (p.Lys778Glu). This variant is present in population databases (rs770303105, gnomAD 0.003%). This variant has not been reported in the literature in individuals affected with TRPM1-related conditions. ClinVar contains an entry for this variant (Variation ID: 2013993). Invitae Evidence Modeling of protein sequence and biophysical properties (such as structural, functional, and spatial information, amino acid conservation, physicochemical variation, residue mobility, and thermodynamic stability) indicates that this missense variant is not expected to disrupt TRPM1 protein function with a negative predictive value of 95%. In summary, the available evidence is currently insufficient to determine the role of this variant in disease. Therefore, it has been classified as a Variant of Uncertain Significance.